The following is an entry in ClinVar:

NM_182972.3(IRF2BP2):c.1618_1621dup (p.Gln541fs)

Gene: IRF2BP2 (interferon regulatory factor 2 binding protein 2; minus strand). Cytogenetic location: 1q42.3.
Variant type: Duplication.
Coding change: c.1618_1621dup on transcript NM_182972.3 (MANE Select); coding-DNA positions 1618 to 1621, 4 bases duplicated (CAGC; older notation c.1618_1621dupCAGC).
Protein change: p.Gln541fs; shifts the reading frame from glutamine 541.
Molecular consequence: frameshift variant.
Genome position (GRCh38, 1-based): chr1:234,607,280-234,607,283, GCTG duplicated on the plus strand (CAGC on the coding strand, the reverse complement: IRF2BP2 is on the minus strand). VCF-style (leftmost placement, unchanged base first): chr1-234607279-T-TGCTG. GRCh37 (hg19) VCF-style: chr1-234743025-T-TGCTG.
Other names: c.1570_1573dup, p.Gln525fs (NM_001077397.1); short protein forms Q541fs, Q525fs.
Identifiers: ClinVar variation 1507560 (VCV001507560.6), dbSNP rs2102768169, ClinGen allele CA2573132959.
Genomic context (GRCh38, chr1:234,607,279, plus strand): 5'-TTGGAGCCCACAAGAGGGCATTTTTCCCCACTGGGACAATAGACCTCTCCACTAGCTCCC[T>TGCTG]GCTGTTTGATGCTTTGTCTGGAGCAAGGGAAGCAGAACTTGTGCGAAGGGACGGACGGGC-3'

ClinVar aggregate classification (germline): Uncertain significance (1 of 4 stars; one submission).

Submission:

Labcorp Genetics (formerly Invitae), Labcorp
Classification: Uncertain significance. Last evaluated: 2025-10-21. Review status: criteria provided, single submitter. Criteria: Invitae Variant Classification Sherloc (09022015). Collection method: clinical testing. Allele origin: germline.
Comment: This sequence change creates a premature translational stop signal (p.Gln541Profs*5) in the IRF2BP2 gene. While this is not anticipated to result in nonsense mediated decay, it is expected to disrupt the last 47 amino acid(s) of the IRF2BP2 protein. This variant is not present in population databases (gnomAD no frequency). This variant has not been reported in the literature in individuals affected with IRF2BP2-related conditions. ClinVar contains an entry for this variant (Variation ID: 1507560). Experimental studies and prediction algorithms are not available or were not evaluated, and the functional significance of this variant is currently unknown. In summary, the available evidence is currently insufficient to determine the role of this variant in disease. Therefore, it has been classified as a Variant of Uncertain Significance.